The following is an entry in ClinVar:

NM_019066.5(MAGEL2):c.263C>A (p.Pro88Gln)

Gene: MAGEL2 (MAGE family member L2; minus strand). Cytogenetic location: 15q11.2.
Variant type: single nucleotide variant.
Coding change: c.263C>A on transcript NM_019066.5 (MANE Select); coding-DNA position 263, C replaced by A.
Protein change: p.Pro88Gln; replaces proline 88 with glutamine.
Molecular consequence: missense variant.
Genome position (GRCh38, 1-based): chr15:23,647,480, G>T on the plus strand (C>A on the coding strand, the complement: MAGEL2 is on the minus strand). VCF-style: chr15-23647480-G-T. GRCh37 (hg19) VCF-style: chr15-23892627-G-T.
Other names: short protein forms P88Q.
Identifiers: ClinVar variation 3769713 (VCV003769713.1).

ClinVar aggregate classification (germline): Uncertain significance (1 of 4 stars; one submission).

Submission:

GeneDx
Classification: Uncertain significance. Last evaluated: 2024-09-13. Review status: criteria provided, single submitter. Criteria: GeneDx Variant Classification Process June 2021. Collection method: clinical testing. Allele origin: germline. Affected: yes.
Comment: Not observed at significant frequency in large population cohorts (gnomAD); Has not been previously published as pathogenic or benign to our knowledge; In silico analysis does not support a benign or deleterious effect of this variant on protein structure/function